The following is an entry in ClinVar:

NM_001369.3(DNAH5):c.2451_2452insCACAGATGTGTATAAGA (p.Asp818delinsHisArgCysValTer)

Genes: DNAH5 (dynein axonemal heavy chain 5; minus strand), DNAH5-AS1 (DNAH5 antisense RNA 1; plus strand). Cytogenetic location: 5p15.2.
Variant type: Insertion.
Coding change: c.2451_2452insCACAGATGTGTATAAGA on transcript NM_001369.3 (MANE Select); coding-DNA positions 2451 to 2452, CACAGATGTGTATAAGA inserted.
Protein change: p.Asp818delinsHisArgCysValTer.
Molecular consequence: nonsense.
Genome position: GRCh38 VCF-style: chr5-13891101-C-CTCTTATACACATCTGTG. GRCh37 (hg19) VCF-style: chr5-13891210-C-CTCTTATACACATCTGTG.
Identifiers: ClinVar variation 5011127 (VCV005011127.1).

ClinVar aggregate classification (germline): Pathogenic (1 of 4 stars; one submission).

Conditions:
Primary ciliary dyskinesia 3. Identifiers: Orphanet 244, MedGen C1837618, MONDO:0012085, OMIM 608644.

Submission:

Myriad Genetics, Inc.
Classification: Pathogenic for Primary ciliary dyskinesia 3. Last evaluated: 2024-05-14. Review status: criteria provided, single submitter. Criteria: Myriad Autosomal Dominant, Autosomal Recessive and X-Linked Classification Criteria (2023). Collection method: clinical testing. Allele origin: unknown.
Comment: NM_001369.2(DNAH5):c.2451_2452ins17(D818Hfs*5) is expected to be pathogenic in the context of primary ciliary dyskinesia, DNAH5-related. This variant is predicted to lead to an abnormal or absent protein product due to the creation of a premature termination codon in DNAH5, a gene where loss-of-function variants are known to be pathogenic. Please note: this variant was assessed in the context of healthy population screening.